The following is an entry in ClinVar:

ClinVar aggregate classification (germline): Uncertain significance (1 of 4 stars; one submission).

Conditions:
Hereditary spastic paraplegia 11. Also called: Spastic Paraplegia 11; SPASTIC PARAPLEGIA, AUTOSOMAL RECESSIVE, COMPLICATED, WITH THIN CORPUS CALLOSUM; SPASTIC PARAPLEGIA, AUTOSOMAL RECESSIVE, WITH MENTAL IMPAIRMENT AND THIN CORPUS CALLOSUM; Spastic paraplegia, mental retardation and thin corpus callosum; Nakamura Osame syndrome; Autosomal recessive hereditary spastic paraplegia, mental impairment, and thin corpus callosum. Identifiers: Orphanet 2822, MedGen C1858479, MONDO:0011445, OMIM 604360.

gnomAD v4.1: 3 of 1,613,884 alleles (0.00019%); highest among the groups gnomAD compares: African/African-American, 0.0013%; no homozygotes.

Submission:

Labcorp Genetics (formerly Invitae), Labcorp
Classification: Uncertain significance for Hereditary spastic paraplegia 11. Last evaluated: 2020-01-25. Review status: criteria provided, single submitter. Criteria: Invitae Variant Classification Sherloc (09022015). Collection method: clinical testing. Allele origin: germline.
Comment: In summary, the available evidence is currently insufficient to determine the role of this variant in disease. Therefore, it has been classified as a Variant of Uncertain Significance. Algorithms developed to predict the effect of missense changes on protein structure and function output the following: SIFT: "Tolerated"; PolyPhen-2: "Possibly Damaging"; Align-GVGD: "Class C0". The histidine amino acid residue is found in multiple mammalian species, suggesting that this missense change does not adversely affect protein function. These predictions have not been confirmed by published functional studies and their clinical significance is uncertain. This variant has not been reported in the literature in individuals with SPG11-related conditions. This variant is not present in population databases (ExAC no frequency). This sequence change replaces glutamine with histidine at codon 927 of the SPG11 protein (p.Gln927His). The glutamine residue is highly conserved and there is a small physicochemical difference between glutamine and histidine.

NM_025137.4(SPG11):c.2781G>T (p.Gln927His)

Gene: SPG11 (SPG11 vesicle trafficking associated, spatacsin; minus strand). Cytogenetic location: 15q21.1.
Variant type: single nucleotide variant.
Coding change: c.2781G>T on transcript NM_025137.4 (MANE Select); coding-DNA position 2781, G replaced by T.
Protein change: p.Gln927His; replaces glutamine 927 with histidine.
Molecular consequence: missense variant.
Genome position (GRCh38, 1-based): chr15:44,620,243, C>A on the plus strand (G>T on the coding strand, the complement: SPG11 is on the minus strand). VCF-style: chr15-44620243-C-A. GRCh37 (hg19) VCF-style: chr15-44912441-C-A.
Other names: c.2781G>T, p.Gln927His (NM_001160227.2); short protein forms Q927H.
Identifiers: ClinVar variation 1053207 (VCV001053207.9), dbSNP rs373088911, ClinGen allele CA392230637.
Genomic context (GRCh38, chr15:44,620,243, plus strand): 5'-ATAATACCTGGCCAGCTTATCTAAAATTTCATTCCTCATGTAGTTGTTACAGGAAGTATT[C>A]TGGTTAATAACATCAACAGTCAGAAGGGGCCATTTGTTCTGCTGAAGTGAAGCATAACTA-3'
Protein context (NP_079413.3, residues 917-937): WPLLTVDVIN[Gln927His]NTSCNNYMRN